The following is an entry in ClinVar:

NM_005932.4(MIPEP):c.167T>G (p.Leu56Trp)

Genes: MIPEP (mitochondrial intermediate peptidase; minus strand), PCOTH (prostate and testis expressed opposite C1QTNF9B and MIPEP; plus strand). Cytogenetic location: 13q12.12.
Variant type: single nucleotide variant.
Coding change: c.167T>G on transcript NM_005932.4 (MANE Select); coding-DNA position 167, T replaced by G.
Protein change: p.Leu56Trp; replaces leucine 56 with tryptophan.
Molecular consequence: missense variant.
Genome position (GRCh38, 1-based): chr13:23,889,154, A>C on the plus strand (T>G on the coding strand, the complement: MIPEP is on the minus strand). VCF-style: chr13-23889154-A-C. GRCh37 (hg19) VCF-style: chr13-24463293-A-C.
Other names: short protein forms L56W.
Identifiers: ClinVar variation 2862922 (VCV002862922.6), dbSNP rs192176293, ClinGen allele CA6913438.

ClinVar aggregate classification (germline): Benign/Likely benign. Review status: criteria provided, multiple submitters, no conflicts (2 of 4 stars). 3 submissions from 3 submitters: Benign (1); Likely benign (2). Last evaluated 2026-06-01.

Allele frequency attached by ClinVar (database versions not stated): gnomAD exomes 0.00021; 1000 Genomes Project 0.00200; 1000 Genomes Project 30x 0.00219; TOPMed 0.00242; gnomAD 0.00249; ExAC 0.00297.
gnomAD v4.1: 661 of 1,461,180 alleles (0.045%); highest among the groups gnomAD compares: African/African-American, 0.87%; 6 homozygotes.

Submissions (3):

CeGaT Center for Human Genetics Tuebingen
Classification: Likely benign. Last evaluated: 2026-06-01. Review status: criteria provided, single submitter. Criteria: CeGaT Center For Human Genetics Tuebingen Variant Classification Criteria Version 2. Collection method: clinical testing. Allele origin: germline. Affected: yes. Observed: 1 variant allele.
Comment: MIPEP: BS1

Labcorp Genetics (formerly Invitae), Labcorp
Classification: Benign. Last evaluated: 2025-11-08. Review status: criteria provided, single submitter. Criteria: Invitae Variant Classification Sherloc (09022015). Collection method: clinical testing. Allele origin: germline.

Blueprint Genetics
Classification: Likely benign. Last evaluated: 2024-08-12. Review status: criteria provided, single submitter. Criteria: ACMG Guidelines, 2015. Collection method: clinical testing. Allele origin: germline.